The following is an entry in ClinVar:

NM_025114.4(CEP290):c.5908A>G (p.Thr1970Ala)

Gene: CEP290 (centrosomal protein 290; minus strand). Cytogenetic location: 12q21.32.
Variant type: single nucleotide variant.
Coding change: c.5908A>G on transcript NM_025114.4 (MANE Select); coding-DNA position 5908, A replaced by G.
Protein change: p.Thr1970Ala; replaces threonine 1970 with alanine.
Molecular consequence: missense variant.
Genome position (GRCh38, 1-based): chr12:88,071,397, T>C on the plus strand (A>G on the coding strand, the complement: CEP290 is on the minus strand). VCF-style: chr12-88071397-T-C. GRCh37 (hg19) VCF-style: chr12-88465174-T-C.
Other names: short protein forms T1970A.
Identifiers: ClinVar variation 4991127 (VCV004991127.1).
Genomic context (GRCh38, chr12:88,071,397, plus strand): 5'-TTAATTCTTCCAATTCTTTTTCTGACTCCAAAGCTCGTATTCCCAAAACCTGATCAACAG[T>C]CATGCCAGTTGTTTTTAGTTTCCTCTGCAAAGTAAGTTTCTCTTTATCGGCTCTGTGGAA-3'
Protein context (NP_079390.3, residues 1960-1980): LQRKLKTTGM[Thr1970Ala]VDQVLGIRAL

ClinVar aggregate classification (germline): Uncertain significance (1 of 4 stars; one submission).

Conditions:
CEP290-related disorder. Also called: CEP290-related condition; CEP290-related disorders. Identifiers: MedGen CN239314.

gnomAD v4.1: 2 of 1,611,570 alleles (0.00012%); highest among the groups gnomAD compares: Non-Finnish European, 0.00017%; no homozygotes.

Submission:

PreventionGenetics, part of Exact Sciences
Classification: Uncertain significance for CEP290-related condition. Last evaluated: 2025-10-13. Review status: criteria provided, single submitter. Criteria: ACMG Guidelines, 2015. Collection method: clinical testing. Allele origin: germline.
Comment: The CEP290 c.5908A>G variant is predicted to result in the amino acid substitution p.Thr1970Ala. To our knowledge, this variant has not been reported in the literature or in a large population database (gnomAD), indicating this variant is rare. At this time, the clinical significance of this variant is uncertain due to the absence of conclusive functional and genetic evidence.